The following is an entry in ClinVar:

NM_015072.5(TTLL5):c.1063C>G (p.Leu355Val)

Gene: TTLL5 (tubulin tyrosine ligase like 5; plus strand). Cytogenetic location: 14q24.3.
Variant type: single nucleotide variant.
Coding change: c.1063C>G on transcript NM_015072.5 (MANE Select); coding-DNA position 1063, C replaced by G.
Protein change: p.Leu355Val; replaces leucine 355 with valine.
Molecular consequence: missense variant.
Genome position (GRCh38, 1-based): chr14:75,732,358, C>G. VCF-style: chr14-75732358-C-G. GRCh37 (hg19) VCF-style: chr14-76198701-C-G.
Other names: c.1063C>G (NM_015072.4); short protein forms L355V.
Identifiers: ClinVar variation 1406905 (VCV001406905.8), dbSNP rs1888600511, ClinGen allele CA390461054.

ClinVar aggregate classification (germline): Uncertain significance. Review status: criteria provided, multiple submitters, no conflicts (2 of 4 stars). 4 submissions from 4 submitters: Uncertain significance (4). Last evaluated 2025-03-02.

Conditions:
TTLL5-related disorder. Also called: TTLL5-related condition.

Allele frequency attached by ClinVar (database versions not stated): TOPMed below 0.00001.
gnomAD v4.1: 2 of 1,613,714 alleles (0.00012%); no homozygotes.

Submissions (4):

GeneDx
Classification: Uncertain significance. Last evaluated: 2025-03-02. Review status: criteria provided, single submitter. Criteria: GeneDx Variant Classification Process June 2021. Collection method: clinical testing. Allele origin: germline. Affected: yes.
Comment: Not observed at significant frequency in large population cohorts (gnomAD); In silico analysis supports that this missense variant has a deleterious effect on protein structure/function; Has not been previously published as pathogenic or benign to our knowledge

PreventionGenetics, part of Exact Sciences
Classification: Uncertain significance for TTLL5-related condition. Last evaluated: 2025-01-24. Review status: criteria provided, single submitter. Criteria: ACMG Guidelines, 2015. Collection method: clinical testing. Allele origin: germline.
Comment: The TTLL5 c.1063C>G variant is predicted to result in the amino acid substitution p.Leu355Val. To our knowledge, this variant has not been reported in the literature or in a large population database (gnomAD), indicating this variant is rare. At this time, the clinical significance of this variant is uncertain due to the absence of conclusive functional and genetic evidence.

Blueprint Genetics
Classification: Uncertain significance. Last evaluated: 2024-09-06. Review status: criteria provided, single submitter. Criteria: ACMG Guidelines, 2015. Collection method: clinical testing. Allele origin: germline.

Labcorp Genetics (formerly Invitae), Labcorp
Classification: Uncertain significance. Last evaluated: 2021-08-27. Review status: criteria provided, single submitter. Criteria: Invitae Variant Classification Sherloc (09022015). Collection method: clinical testing. Allele origin: germline.
Comment: This sequence change replaces leucine with valine at codon 355 of the TTLL5 protein (p.Leu355Val). The leucine residue is highly conserved and there is a small physicochemical difference between leucine and valine. This variant is not present in population databases (ExAC no frequency). This variant has not been reported in the literature in individuals affected with TTLL5-related conditions. Algorithms developed to predict the effect of missense changes on protein structure and function are either unavailable or do not agree on the potential impact of this missense change (SIFT: "Deleterious"; PolyPhen-2: "Probably Damaging"; Align-GVGD: "Class C0"). In summary, the available evidence is currently insufficient to determine the role of this variant in disease. Therefore, it has been classified as a Variant of Uncertain Significance.